The following is an entry in ClinVar:

NM_206933.4(USH2A):c.8964G>A (p.Lys2988=)

Gene: USH2A (usherin; minus strand). Cytogenetic location: 1q41.
Variant type: single nucleotide variant.
Coding change: c.8964G>A on transcript NM_206933.4 (MANE Select); coding-DNA position 8964, G replaced by A.
Protein change: p.Lys2988=; no amino-acid change (lysine 2988 retained).
Molecular consequence: synonymous variant.
Genome position (GRCh38, 1-based): chr1:215,845,915, C>T on the plus strand (G>A on the coding strand, the complement: USH2A is on the minus strand). VCF-style: chr1-215845915-C-T. GRCh37 (hg19) VCF-style: chr1-216019257-C-T.
Identifiers: ClinVar variation 755120 (VCV000755120.16), dbSNP rs1044594969, ClinGen allele CA37444418.

ClinVar aggregate classification (germline): Likely benign. Review status: criteria provided, multiple submitters, no conflicts (2 of 4 stars). 2 submissions from 2 submitters: Likely benign (2). Last evaluated 2025-08-01.

gnomAD v4.1: 7 of 1,613,734 alleles (0.00043%); highest among the groups gnomAD compares: Non-Finnish European, 0.00051%; no homozygotes.

Submissions (2):

CeGaT Center for Human Genetics Tuebingen
Classification: Likely benign. Last evaluated: 2025-08-01. Review status: criteria provided, single submitter. Criteria: CeGaT Center For Human Genetics Tuebingen Variant Classification Criteria Version 2. Collection method: clinical testing. Allele origin: germline. Affected: yes. Observed: 1 variant allele.
Comment: USH2A: BP4, BP7

Labcorp Genetics (formerly Invitae), Labcorp
Classification: Likely benign. Last evaluated: 2023-09-06. Review status: criteria provided, single submitter. Criteria: Invitae Variant Classification Sherloc (09022015). Collection method: clinical testing. Allele origin: germline.